The following is an entry in ClinVar:

NM_021098.3(CACNA1H):c.260C>T (p.Thr87Met)

Gene: CACNA1H (calcium voltage-gated channel subunit alpha1 H; plus strand). Cytogenetic location: 16p13.3.
Variant type: single nucleotide variant.
Coding change: c.260C>T on transcript NM_021098.3 (MANE Select); coding-DNA position 260, C replaced by T.
Protein change: p.Thr87Met; replaces threonine 87 with methionine.
Molecular consequence: missense variant.
Genome position (GRCh38, 1-based): chr16:1,153,997, C>T. VCF-style: chr16-1153997-C-T. GRCh37 (hg19) VCF-style: chr16-1203997-C-T.
Other names: c.260C>T, p.Thr87Met (NM_001005407.2); short protein forms T87M.
Identifiers: ClinVar variation 2152185 (VCV002152185.4), dbSNP rs773413660, ClinGen allele CA7799314.

ClinVar aggregate classification (germline): Uncertain significance (1 of 4 stars; one submission).

Conditions:
Idiopathic generalized epilepsy. Also called: EIG; Generalised epilepsy. Identifiers: MedGen C0270850, MONDO:0005579, OMIM 600669.
Hyperaldosteronism, familial, type IV (HALD4). Also called: FH IV; ALDOSTERONISM, PRIMARY, AND HYPERTENSION. Identifiers: Orphanet 642671, MedGen C4310756, MONDO:0014875, OMIM 617027.

Allele frequency attached by ClinVar (database versions not stated): gnomAD exomes below 0.00001; TOPMed below 0.00001; gnomAD 0.00001; ExAC 0.00010.

Submission:

Labcorp Genetics (formerly Invitae), Labcorp
Classification: Uncertain significance for Idiopathic generalized epilepsy; Hyperaldosteronism, familial, type IV. Last evaluated: 2023-09-09. Review status: criteria provided, single submitter. Criteria: Invitae Variant Classification Sherloc (09022015). Collection method: clinical testing. Allele origin: germline.
Comment: Advanced modeling of protein sequence and biophysical properties (such as structural, functional, and spatial information, amino acid conservation, physicochemical variation, residue mobility, and thermodynamic stability) performed at Invitae indicates that this missense variant is not expected to disrupt CACNA1H protein function. In summary, the available evidence is currently insufficient to determine the role of this variant in disease. Therefore, it has been classified as a Variant of Uncertain Significance. ClinVar contains an entry for this variant (Variation ID: 2152185). This variant has not been reported in the literature in individuals affected with CACNA1H-related conditions. The frequency data for this variant in the population databases is considered unreliable, as metrics indicate poor data quality at this position in the gnomAD database. This sequence change replaces threonine, which is neutral and polar, with methionine, which is neutral and non-polar, at codon 87 of the CACNA1H protein (p.Thr87Met).